The following is an entry in ClinVar:

ClinVar aggregate classification (germline): Uncertain significance. Review status: criteria provided, multiple submitters, no conflicts (2 of 4 stars). 3 submissions from 3 submitters: Uncertain significance (3). Last evaluated 2026-07-06.

Conditions:
Lynch syndrome. Identifiers: Orphanet 144, MedGen C4552100, MONDO:0005835. Disease mechanism: loss of function.
Hereditary nonpolyposis colorectal neoplasms. Identifiers: MedGen C0009405, MeSH D003123.
Hereditary cancer-predisposing syndrome. Also called: Tumor predisposition; Hereditary Cancer Syndrome; Hereditary neoplastic syndrome; Neoplastic Syndromes, Hereditary. Identifiers: Orphanet 140162, MedGen C0027672, MeSH D009386, MONDO:0015356.

Submissions (3):

Ambry Genetics
Classification: Uncertain significance for Hereditary cancer-predisposing syndrome. Last evaluated: 2026-07-06. Review status: criteria provided, single submitter. Criteria: Ambry Variant Classification Scheme 2023. Collection method: clinical testing. Allele origin: germline.
Comment: The p.D1107A variant (also known as c.3320A>C), located in coding exon 5 of the MSH6 gene, results from an A to C substitution at nucleotide position 3320. The aspartic acid at codon 1107 is replaced by alanine, an amino acid with dissimilar properties. This amino acid position is conserved. In addition, this alteration is predicted to be deleterious by in silico analysis. Based on the available evidence, the clinical significance of this variant remains unclear.

All of Us Research Program, National Institutes of Health
Classification: Uncertain significance for Lynch syndrome. Last evaluated: 2023-12-18. Review status: criteria provided, single submitter. Criteria: ACMG Guidelines, 2015. Collection method: clinical testing. Allele origin: germline. Inheritance: Autosomal dominant inheritance. Observed: 1 variant allele, 1 heterozygote.
Comment: This missense variant replaces aspartic acid with alanine at codon 1107 of the MSH6 protein. Computational prediction suggests that this variant may have deleterious impact on protein structure and function (internally defined REVEL score threshold >= 0.7, PMID: 27666373). To our knowledge, functional studies have not been reported for this variant. This variant has not been reported in individuals affected with MSH6-related disorders in the literature. This variant has not been identified in the general population by the Genome Aggregation Database (gnomAD). The available evidence is insufficient to determine the role of this variant in disease conclusively. Therefore, this variant is classified as a Variant of Uncertain Significance.

This study involves interpretation of variants in research participants for the purpose of population health screening. Participant phenotype was not available at the time of variant classification. Additional details can be found in publication PMID: 35346344, PMCID: PMC8962531

Labcorp Genetics (formerly Invitae), Labcorp
Classification: Uncertain significance for Hereditary nonpolyposis colorectal neoplasms. Last evaluated: 2020-01-22. Review status: criteria provided, single submitter. Criteria: Invitae Variant Classification Sherloc (09022015). Collection method: clinical testing. Allele origin: germline.
Comment: This sequence change replaces aspartic acid with alanine at codon 1107 of the MSH6 protein (p.Asp1107Ala). The aspartic acid residue is highly conserved and there is a moderate physicochemical difference between aspartic acid and alanine. This variant is not present in population databases (ExAC no frequency). This variant has not been reported in the literature in individuals with MSH6-related conditions. Algorithms developed to predict the effect of missense changes on protein structure and function are either unavailable or do not agree on the potential impact of this missense change (SIFT: "Deleterious"; PolyPhen-2: "Possibly Damaging"; Align-GVGD: "Class C15"). In summary, the available evidence is currently insufficient to determine the role of this variant in disease. Therefore, it has been classified as a Variant of Uncertain Significance.

NM_000179.3(MSH6):c.3320A>C (p.Asp1107Ala)

Gene: MSH6 (mutS homolog 6; plus strand). Cytogenetic location: 2p16.3.
Variant type: single nucleotide variant.
Coding change: c.3320A>C on transcript NM_000179.3 (MANE Select); coding-DNA position 3320, A replaced by C.
Protein change: p.Asp1107Ala; replaces aspartic acid 1107 with alanine.
Molecular consequence: missense variant.
Genome position (GRCh38, 1-based): chr2:47,803,567, A>C. VCF-style: chr2-47803567-A-C. GRCh37 (hg19) VCF-style: chr2-48030706-A-C.
Other names: c.2930A>C, p.Asp977Ala (NM_001281492.2); c.2414A>C, p.Asp805Ala (NM_001281493.2, NM_001281494.2); c.3320A>C (NM_000179.2); short protein forms D1107A, D977A, D805A.
Identifiers: ClinVar variation 1047799 (VCV001047799.11), dbSNP rs1669757838, ClinGen allele CA346758667.